The following is an entry in ClinVar:

NM_001378454.1(ALMS1):c.8530C>G (p.Leu2844Val)

Gene: ALMS1 (ALMS1 centrosome and basal body associated protein; plus strand). Cytogenetic location: 2p13.1.
Variant type: single nucleotide variant.
Coding change: c.8530C>G on transcript NM_001378454.1 (MANE Select); coding-DNA position 8530, C replaced by G.
Protein change: p.Leu2844Val; replaces leucine 2844 with valine.
Molecular consequence: missense variant.
Genome position (GRCh38, 1-based): chr2:73,490,489, C>G. VCF-style: chr2-73490489-C-G. GRCh37 (hg19) VCF-style: chr2-73717616-C-G.
Other names: c.8533C>G, p.Leu2845Val (NM_015120.4); short protein forms L2845V, L2844V.
Identifiers: ClinVar variation 2564342 (VCV002564342.2), dbSNP rs920714816, ClinGen allele CA347269296.

ClinVar aggregate classification (germline): Uncertain significance (1 of 4 stars; one submission).

Conditions:
Cardiovascular phenotype. Identifiers: MedGen CN230736.

Submission:

Ambry Genetics
Classification: Uncertain significance for Cardiovascular phenotype. Last evaluated: 2023-05-22. Review status: criteria provided, single submitter. Criteria: Ambry Variant Classification Scheme 2023. Collection method: clinical testing. Allele origin: germline.
Comment: The p.L2845V variant (also known as c.8533C>G), located in coding exon 10 of the ALMS1 gene, results from a C to G substitution at nucleotide position 8533. The leucine at codon 2845 is replaced by valine, an amino acid with highly similar properties. This amino acid position is well conserved in available vertebrate species. In addition, this alteration is predicted to be tolerated by in silico analysis. Since supporting evidence is limited at this time, the clinical significance of this alteration remains unclear.